The following is an entry in ClinVar:

ClinVar aggregate classification (germline): Uncertain significance (1 of 4 stars; one submission).

Submission:

CeGaT Center for Human Genetics Tuebingen
Classification: Uncertain significance. Last evaluated: 2022-11-01. Review status: criteria provided, single submitter. Criteria: CeGaT Center For Human Genetics Tuebingen Variant Classification Criteria Version 2. Collection method: clinical testing. Allele origin: germline. Affected: yes. Observed: 1 variant allele.
Comment: KCNT1: PM2, PP3

NM_020822.3(KCNT1):c.643G>C (p.Glu215Gln)

Gene: KCNT1 (potassium sodium-activated channel subfamily T member 1; plus strand). Cytogenetic location: 9q34.3.
Variant type: single nucleotide variant.
Coding change: c.643G>C on transcript NM_020822.3 (MANE Select); coding-DNA position 643, G replaced by C.
Protein change: p.Glu215Gln; replaces glutamic acid 215 with glutamine.
Molecular consequence: missense variant.
Genome position (GRCh38, 1-based): chr9:135,757,198, G>C. VCF-style: chr9-135757198-G-C. GRCh37 (hg19) VCF-style: chr9-138649044-G-C.
Other names: c.499G>C, p.Glu167Gln (NM_001272003.2); short protein forms E167Q, E215Q.
Identifiers: ClinVar variation 2659715 (VCV002659715.24), dbSNP rs1209398053, ClinGen allele CA375497293.